The following is an entry in ClinVar:

ClinVar aggregate classification (germline): Pathogenic (1 of 4 stars; one submission).

Conditions:
Hereditary cancer-predisposing syndrome. Also called: Neoplastic Syndromes, Hereditary; Hereditary Cancer Syndrome; Hereditary neoplastic syndrome; Tumor predisposition. Identifiers: Orphanet 140162, MedGen C0027672, MeSH D009386, MONDO:0015356.

Submission:

Ambry Genetics
Classification: Pathogenic for Hereditary cancer-predisposing syndrome. Last evaluated: 2026-06-05. Review status: criteria provided, single submitter. Criteria: Ambry Variant Classification Scheme 2023. Collection method: clinical testing. Allele origin: germline.
Comment: The c.1276_1282dupGCTTCAG pathogenic mutation, located in coding exon 9 of the FH gene, results from a duplication of GCTTCAG at nucleotide positions 1276 to 1282, causing a translational frameshift with a predicted alternate stop codon (p.V428Gfs*26). This variant was reported in individual(s) with features consistent with FH-related tumor predisposition (Ambry internal data). This variant is considered to be rare based on population cohorts in the Genome Aggregation Database (gnomAD). This alteration is expected to result in loss of function by premature protein truncation or nonsense-mediated mRNA decay. As such, this alteration is interpreted as a disease-causing mutation.

NM_000143.4(FH):c.1276_1282dup (p.Val428fs)

Gene: FH (fumarate hydratase; minus strand). Cytogenetic location: 1q43.
Variant type: Duplication.
Coding change: c.1276_1282dup on transcript NM_000143.4 (MANE Select); coding-DNA positions 1276 to 1282, 7 bases duplicated (GCTTCAG; older notation c.1276_1282dupGCTTCAG).
Protein change: p.Val428fs; shifts the reading frame from valine 428.
Molecular consequence: frameshift variant.
Genome position (GRCh38, 1-based): chr1:241,500,545-241,500,551, CTGAAGC duplicated on the plus strand (GCTTCAG on the coding strand, the reverse complement: FH is on the minus strand). VCF-style (leftmost placement, unchanged base first): chr1-241500544-A-ACTGAAGC. GRCh37 (hg19) VCF-style: chr1-241663844-A-ACTGAAGC.
Other names: c.1276_1282dupGCTTCAG (NM_000143.3); short protein forms V428fs.
Identifiers: ClinVar variation 4871335 (VCV004871335.1).